The following is an entry in ClinVar:

NM_000368.5(TSC1):c.2503C>G (p.Leu835Val)

Gene: TSC1 (TSC complex subunit 1; minus strand). Cytogenetic location: 9q34.13.
Variant type: single nucleotide variant.
Coding change: c.2503C>G on transcript NM_000368.5 (MANE Select); coding-DNA position 2503, C replaced by G.
Protein change: p.Leu835Val; replaces leucine 835 with valine.
Molecular consequence: missense variant.
Genome position (GRCh38, 1-based): chr9:132,900,837, G>C on the plus strand (C>G on the coding strand, the complement: TSC1 is on the minus strand). VCF-style: chr9-132900837-G-C. GRCh37 (hg19) VCF-style: chr9-135776224-G-C.
Other names: c.2500C>G, p.Leu834Val (NM_001162426.2, NM_001406597.1, NM_001406598.1 and 2 more transcripts); c.2350C>G, p.Leu784Val (NM_001162427.2, NM_001406610.1); c.2140C>G, p.Leu714Val (NM_001362177.2, NM_001406614.1, NM_001406615.1 and 4 more transcripts); c.2503C>G, p.Leu835Val (NM_001406592.1, NM_001406593.1, NM_001406594.1 and 2 more transcripts); c.2488C>G, p.Leu830Val (NM_001406601.1, NM_001406602.1); c.2485C>G, p.Leu829Val (NM_001406603.1, NM_001406604.1); c.2461C>G, p.Leu821Val (NM_001406605.1, NM_001406606.1, NM_001406607.1); c.2458C>G, p.Leu820Val (NM_001406608.1, NM_001406609.1); and 8 more; short protein forms L517V, L714V, L769V, L820V, L518V, L783V, L699V, L784V.
Identifiers: ClinVar variation 1792280 (VCV001792280.2), dbSNP rs2538553957, ClinGen allele CA375370371.
Genomic context (GRCh38, chr9:132,900,837, plus strand): 5'-GAACCAACAGCTGCCTGTTCAAGAACTCCATCTGCTGCTGGACCGACTCACTGTTTGAGA[G>C]CTAACCAAAAAACATGAGCAAAGTGAAAAATCCGACGACATAAAACTAGCACATAGACGT-3'
Protein context (NP_000359.1, residues 825-845): ELLLSQVSQK[Leu835Val]SNSESVQQQM

ClinVar aggregate classification (germline): Uncertain significance (1 of 4 stars; one submission).

Conditions:
Hereditary cancer-predisposing syndrome. Also called: Hereditary Cancer Syndrome; Hereditary neoplastic syndrome; Tumor predisposition; Neoplastic Syndromes, Hereditary. Identifiers: Orphanet 140162, MedGen C0027672, MeSH D009386, MONDO:0015356.

Submission:

Ambry Genetics
Classification: Uncertain significance for Hereditary cancer-predisposing syndrome. Last evaluated: 2020-02-06. Review status: criteria provided, single submitter. Criteria: Ambry Variant Classification Scheme 2023. Collection method: clinical testing. Allele origin: germline.
Comment: The p.L835V variant (also known as c.2503C>G) is located in coding exon 18 of the TSC1 gene. The leucine at codon 835 is replaced by valine, an amino acid with highly similar properties. This change occurs in the first base pair of coding exon 18. This amino acid position is highly conserved in available vertebrate species. In addition, this alteration is predicted to be tolerated by in silico analysis. Since supporting evidence is limited at this time, the clinical significance of this alteration remains unclear.